The following is an entry in ClinVar:

NM_000152.5(GAA):c.2174G>T (p.Arg725Leu)

Gene: GAA (alpha glucosidase; plus strand). Cytogenetic location: 17q25.3.
Variant type: single nucleotide variant.
Coding change: c.2174G>T on transcript NM_000152.5 (MANE Select); coding-DNA position 2174, G replaced by T.
Protein change: p.Arg725Leu; replaces arginine 725 with leucine.
Molecular consequence: missense variant.
Genome position (GRCh38, 1-based): chr17:80,113,351, G>T. VCF-style: chr17-80113351-G-T. GRCh37 (hg19) VCF-style: chr17-78087150-G-T.
Other names: c.2174G>T, p.Arg725Leu (NM_001079803.3, NM_001079804.3, NM_001406741.1 and 1 more transcripts); short protein forms R725L.
Identifiers: ClinVar variation 2860164 (VCV002860164.3), dbSNP rs577042191, ClinGen allele CA401370635.
Genomic context (GRCh38, chr17:80,113,351, plus strand): 5'-TCCTCCCCCACCTCTACACACTGTTCCACCAGGCCCACGTCGCGGGGGAGACCGTGGCCC[G>T]GCCCCTCTTCCTGGAGTGAGTGACCTAGGCAGGGGCGGTGGCCCATGTGTGCCCTGGGGG-3'
Protein context (NP_000143.2, residues 715-735): QAHVAGETVA[Arg725Leu]PLFLEFPKDS

ClinVar aggregate classification (germline): Likely pathogenic (1 of 4 stars; one submission).

Conditions:
Glycogen storage disease, type II (IOPD). Also called: GLYCOGENOSIS, GENERALIZED, CARDIAC FORM; GSD II; POMPE DISEASE, INFANTILE-ONSET; GLYCOGEN STORAGE DISEASE II, INFANTILE-ONSET; ACID ALPHA-GLUCOSIDASE DEFICIENCY, INFANTILE-ONSET; GAA DEFICIENCY, INFANTILE-ONSET. Identifiers: Orphanet 365, MedGen C0017921, MONDO:0009290, OMIM 232300.

Submission:

Labcorp Genetics (formerly Invitae), Labcorp
Classification: Likely pathogenic for Glycogen storage disease, type II. Last evaluated: 2023-04-28. Review status: criteria provided, single submitter. Criteria: Invitae Variant Classification Sherloc (09022015). Collection method: clinical testing. Allele origin: germline.
Comment: In summary, the currently available evidence indicates that the variant is pathogenic, but additional data are needed to prove that conclusively. Therefore, this variant has been classified as Likely Pathogenic. This variant disrupts the p.Arg725 amino acid residue in GAA. Other variant(s) that disrupt this residue have been determined to be pathogenic (PMID: 8401535, 17616415, 19588081, 21550241, 28648663). This suggests that this residue is clinically significant, and that variants that disrupt this residue are likely to be disease-causing. Advanced modeling of protein sequence and biophysical properties (such as structural, functional, and spatial information, amino acid conservation, physicochemical variation, residue mobility, and thermodynamic stability) performed at Invitae indicates that this missense variant is expected to disrupt GAA protein function. This variant has not been reported in the literature in individuals affected with GAA-related conditions. This variant is not present in population databases (gnomAD no frequency). This sequence change replaces arginine, which is basic and polar, with leucine, which is neutral and non-polar, at codon 725 of the GAA protein (p.Arg725Leu).

Literature cited by the submitters: PubMed 8401535; PubMed 17616415; PubMed 19588081; PubMed 21550241; PubMed 28648663.